The following is an entry in ClinVar:

ClinVar aggregate classification (germline): Uncertain significance (1 of 4 stars; one submission).

gnomAD v4.1: 6 of 1,614,160 alleles (0.00037%); highest among the groups gnomAD compares: South Asian, 0.0033%; no homozygotes.

Submission:

Centre of Medical Genetics, University Hospital Muenster
Classification: Uncertain significance. Last evaluated: 2024-09-30. Review status: criteria provided, single submitter. Criteria: ACMG Guidelines, 2015. Collection method: clinical testing. Allele origin: unknown. Affected: yes. Observed: 1 variant allele, 1 heterozygote.
Comment: ACMG categories: PM2_sup,PP2,PP3

NM_001197104.2(KMT2A):c.10676A>G (p.Lys3559Arg)

Gene: KMT2A (lysine methyltransferase 2A; plus strand). Cytogenetic location: 11q23.3.
Variant type: single nucleotide variant.
Coding change: c.10676A>G on transcript NM_001197104.2 (MANE Select); coding-DNA position 10676, A replaced by G.
Protein change: p.Lys3559Arg; replaces lysine 3559 with arginine.
Molecular consequence: missense variant.
Genome position (GRCh38, 1-based): chr11:118,506,568, A>G. VCF-style: chr11-118506568-A-G. GRCh37 (hg19) VCF-style: chr11-118377283-A-G.
Other names: c.10766A>G, p.Lys3589Arg (NM_001412597.1); c.10667A>G, p.Lys3556Arg (NM_005933.4); short protein forms K3556R, K3559R, K3589R.
Identifiers: ClinVar variation 3383394 (VCV003383394.2).
Genomic context (GRCh38, chr11:118,506,568, plus strand): 5'-CCAAACCAAAAACCAAACGGTTTCAGCTGCCTCTAGACAAAGGGAATGGCAAGAAGCACA[A>G]AGTTTCCCATTTGCGGACCAGTTCTTCTGAAGCACACATTCCAGACCAAGAAACGACATC-3'
Protein context (NP_001184033.1, residues 3549-3569): PLDKGNGKKH[Lys3559Arg]VSHLRTSSSE